The following is an entry in ClinVar:

NM_020911.2(PLXNA4):c.-1C>G

Gene: PLXNA4 (plexin A4; minus strand). Cytogenetic location: 7q32.3.
Variant type: single nucleotide variant.
Coding change: c.-1C>G on transcript NM_020911.2 (MANE Select); 1 bases upstream of the start codon, C replaced by G.
Molecular consequence: 5 prime UTR variant.
Genome position (GRCh38, 1-based): chr7:132,508,694, G>C on the plus strand (C>G on the coding strand, the complement: PLXNA4 is on the minus strand). VCF-style: chr7-132508694-G-C. GRCh37 (hg19) VCF-style: chr7-132193453-G-C.
Other names: c.-1C>G (NM_001105543.2, NM_001393897.1, NM_181775.4).
Identifiers: ClinVar variation 3355829 (VCV003355829.1).

ClinVar aggregate classification (germline): Likely benign (0 of 4 stars; one submission).

Conditions:
PLXNA4-related disorder. Also called: PLXNA4-related condition.

gnomAD v4.1: 17 of 1,501,604 alleles (0.0011%); highest among the groups gnomAD compares: African/African-American, 0.024%; no homozygotes.

Submission:

PreventionGenetics, part of Exact Sciences
Classification: Likely benign for PLXNA4-related condition. Last evaluated: 2024-08-06. Review status: no assertion criteria provided. Collection method: clinical testing. Allele origin: germline.
Comment: This variant is classified as likely benign based on ACMG/AMP sequence variant interpretation guidelines (Richards et al. 2015 PMID: 25741868, with internal and published modifications).